The following is an entry in ClinVar:

NM_207122.2(EXT2):c.482del (p.Asn161fs)

Gene: EXT2 (exostosin glycosyltransferase 2; plus strand). Cytogenetic location: 11p11.2.
Variant type: Deletion.
Coding change: c.482del on transcript NM_207122.2 (MANE Select); coding-DNA position 482, one base deleted (A; older notation c.482delA).
Protein change: p.Asn161fs; shifts the reading frame from asparagine 161.
Molecular consequence: frameshift variant.
Genome position (GRCh38, 1-based): chr11:44,108,194, A deleted; the last of 2 consecutive A bases (chr11:44,108,193-44,108,194); deleting either gives the same sequence. VCF-style (leftmost placement, unchanged base first): chr11-44108192-TA-T. GRCh37 (hg19) VCF-style: chr11-44129742-TA-T.
Other names: c.581del, p.Asn194fs (NM_000401.3); c.482del, p.Asn161fs (NM_001178083.3, NM_001389628.1, NM_001389630.1); short protein forms N161fs, N194fs.
Identifiers: ClinVar variation 951628 (VCV000951628.8), dbSNP rs1590548336, ClinGen allele CA1139661917.

ClinVar aggregate classification (germline): Pathogenic (1 of 4 stars; one submission).

Conditions:
Exostoses, multiple, type 2 (EXT2). Also called: Hereditary Multiple Osteochondromatosis, Type II; EXOSTOSES, MULTIPLE, TYPE II. Identifiers: Orphanet 321, MedGen C1851413, MONDO:0007586, OMIM 133701.

Submission:

Labcorp Genetics (formerly Invitae), Labcorp
Classification: Pathogenic for Exostoses, multiple, type 2. Last evaluated: 2019-04-28. Review status: criteria provided, single submitter. Criteria: Invitae Variant Classification Sherloc (09022015). Collection method: clinical testing. Allele origin: germline.
Comment: For these reasons, this variant has been classified as Pathogenic. Loss-of-function variants in EXT2 are known to be pathogenic (PMID: 10679937, 19810120). This variant has not been reported in the literature in individuals with EXT2-related conditions. This variant is not present in population databases (ExAC no frequency). This sequence change creates a premature translational stop signal (p.Asn161Thrfs*109) in the EXT2 gene. It is expected to result in an absent or disrupted protein product.

Literature cited by the submitters: PubMed 10679937; PubMed 19810120.